The following is an entry in ClinVar:

ClinVar aggregate classification (germline): Pathogenic (1 of 4 stars; one submission).

Conditions:
Combined immunodeficiency due to MALT1 deficiency. Also called: Immunodeficiency 12. Identifiers: Orphanet 397964, MedGen C3809583, MONDO:0014197, OMIM 615468.

Submission:

Labcorp Genetics (formerly Invitae), Labcorp
Classification: Pathogenic for Combined immunodeficiency due to MALT1 deficiency. Last evaluated: 2023-12-06. Review status: criteria provided, single submitter. Criteria: Invitae Variant Classification Sherloc (09022015). Collection method: clinical testing. Allele origin: germline.
Comment: This sequence change creates a premature translational stop signal (p.Leu440Valfs*6) in the MALT1 gene. It is expected to result in an absent or disrupted protein product. Loss-of-function variants in MALT1 are known to be pathogenic (PMID: 23727036, 25627829). This variant is present in population databases (no rsID available, gnomAD 0.006%). This premature translational stop signal has been observed in individual(s) with MALT1 deficiency (PMID: 35079916). ClinVar contains an entry for this variant (Variation ID: 1417195). For these reasons, this variant has been classified as Pathogenic.

Literature cited by the submitters: PubMed 23727036; PubMed 25627829; PubMed 35079916.

NM_006785.4(MALT1):c.1318_1321del (p.Leu440fs)

Gene: MALT1 (MALT1 paracaspase; plus strand). Cytogenetic location: 18q21.32.
Variant type: Deletion.
Coding change: c.1318_1321del on transcript NM_006785.4 (MANE Select); coding-DNA positions 1318 to 1321, 4 bases deleted (CTGT; older notation c.1318_1321delCTGT).
Protein change: p.Leu440fs; shifts the reading frame from leucine 440.
Molecular consequence: frameshift variant.
Genome position (GRCh38, 1-based): chr18:58,733,492-58,733,495, CTGT deleted; deleting any 4 consecutive bases within chr18:58,733,489-58,733,495 gives the same sequence; the c. name uses the placement nearest the transcript's 3' end. VCF-style (leftmost placement, unchanged base first): chr18-58733488-TTGTC-T. GRCh37 (hg19) VCF-style: chr18-56400720-TTGTC-T.
Other names: c.1285_1288del, p.Leu429fs (NM_173844.3); short protein forms L429fs, L440fs.
Identifiers: ClinVar variation 1417195 (VCV001417195.6), dbSNP rs1568151207, ClinGen allele CA630396443.